The following is an entry in ClinVar:

ClinVar aggregate classification (germline): Likely pathogenic (1 of 4 stars; one submission).

Allele frequency attached by ClinVar (database versions not stated): gnomAD exomes below 0.00001; TOPMed below 0.00001; gnomAD 0.00001.
gnomAD v4.1: 2 of 1,613,976 alleles (0.00012%); highest among the groups gnomAD compares: Non-Finnish European, 0.00017%; no homozygotes.

Submission:

Mayo Clinic Laboratories, Mayo Clinic
Classification: Likely pathogenic. Last evaluated: 2023-04-11. Review status: criteria provided, single submitter. Criteria: ACMG Guidelines, 2015. Collection method: clinical testing. Allele origin: germline. Observed: 1 variant allele.
Comment: PM2, PVS1

NM_020821.3(VPS13C):c.9244C>T (p.Gln3082Ter)

Gene: VPS13C (vacuolar protein sorting 13 homolog C; minus strand). Cytogenetic location: 15q22.2.
Variant type: single nucleotide variant.
Coding change: c.9244C>T on transcript NM_020821.3 (MANE Select); coding-DNA position 9244, C replaced by T.
Protein change: p.Gln3082Ter; replaces glutamine 3082 with a stop codon.
Molecular consequence: nonsense.
Genome position (GRCh38, 1-based): chr15:61,890,262, G>A on the plus strand (C>T on the coding strand, the complement: VPS13C is on the minus strand). VCF-style: chr15-61890262-G-A. GRCh37 (hg19) VCF-style: chr15-62182461-G-A.
Other names: p.Gln3082*; c.9244C>T, p.Gln3082Ter (NM_001018088.3); c.9115C>T, p.Gln3039Ter (NM_017684.5, NM_018080.4); short protein forms Q3039*, Q3082*.
Identifiers: ClinVar variation 2682979 (VCV002682979.1), dbSNP rs748501827, ClinGen allele CA271909895.
Genomic context (GRCh38, chr15:61,890,262, plus strand): 5'-CATTGTTAACCAGTGAAAGCCCAAGACTGTGGAGAGACAAGGTTATTTCATAATCAGCCT[G>A]TTCCATTTCTTCTGCCTGCAGTGCTTTGGAAACCAAGGCAACATCATCGGTGAAAAGCAA-3'